The following is an entry in ClinVar:

NM_152383.5(DIS3L2):c.1649G>A (p.Arg550His)

Gene: DIS3L2 (DIS3 like 3'-5' exoribonuclease 2; plus strand). Cytogenetic location: 2q37.1.
Variant type: single nucleotide variant.
Coding change: c.1649G>A on transcript NM_152383.5 (MANE Select); coding-DNA position 1649, G replaced by A.
Protein change: p.Arg550His; replaces arginine 550 with histidine.
Molecular consequence: missense variant. On other transcripts: non-coding transcript variant (2), intron variant (1).
Genome position (GRCh38, 1-based): chr2:232,263,430, G>A. VCF-style: chr2-232263430-G-A. GRCh37 (hg19) VCF-style: chr2-233128140-G-A.
Other names: c.1581+68G>A (NM_001257281.2); short protein forms R550H.
Identifiers: ClinVar variation 531946 (VCV000531946.10), dbSNP rs566287761, ClinGen allele CA2164211.

ClinVar aggregate classification (germline): Uncertain significance. Review status: criteria provided, multiple submitters, no conflicts (2 of 4 stars). 2 submissions from 2 submitters: Uncertain significance (2). Last evaluated 2025-08-26.

Conditions:
Inborn genetic diseases. Identifiers: MedGen C0950123, MeSH D030342.
Perlman syndrome (PRLMNS). Identifiers: Orphanet 2849, MedGen C0796113, MONDO:0009965, OMIM 267000.

Allele frequency attached by ClinVar (database versions not stated): gnomAD 0.00001; ExAC 0.00002; gnomAD exomes 0.00002 and 0.00003; TOPMed 0.00003.
gnomAD v4.1: 40 of 1,614,054 alleles (0.0025%); highest among the groups gnomAD compares: Non-Finnish European, 0.0032%; 1 homozygote.

Submissions (2):

Ambry Genetics
Classification: Uncertain significance for Inborn genetic diseases. Last evaluated: 2025-08-26. Review status: criteria provided, single submitter. Criteria: Ambry Variant Classification Scheme 2023. Collection method: clinical testing. Allele origin: germline.

Labcorp Genetics (formerly Invitae), Labcorp
Classification: Uncertain significance for Perlman syndrome. Last evaluated: 2025-07-07. Review status: criteria provided, single submitter. Criteria: Invitae Variant Classification Sherloc (09022015). Collection method: clinical testing. Allele origin: germline.
Comment: This sequence change replaces arginine, which is basic and polar, with histidine, which is basic and polar, at codon 550 of the DIS3L2 protein (p.Arg550His). This variant is present in population databases (rs566287761, gnomAD 0.003%). This variant has not been reported in the literature in individuals affected with DIS3L2-related conditions. ClinVar contains an entry for this variant (Variation ID: 531946). Invitae Evidence Modeling of protein sequence and biophysical properties (such as structural, functional, and spatial information, amino acid conservation, physicochemical variation, residue mobility, and thermodynamic stability) indicates that this missense variant is not expected to disrupt DIS3L2 protein function with a negative predictive value of 80%. In summary, the available evidence is currently insufficient to determine the role of this variant in disease. Therefore, it has been classified as a Variant of Uncertain Significance.